The following is an entry in ClinVar:

ClinVar aggregate classification (germline): Pathogenic/Likely pathogenic. Review status: criteria provided, multiple submitters, no conflicts (2 of 4 stars). 7 submissions from 7 submitters: Pathogenic (5); Likely pathogenic (2). Last evaluated 2026-07-29.

Conditions:
Cardiovascular phenotype. Identifiers: MedGen CN230736.
Autosomal recessive limb-girdle muscular dystrophy type 2J (LGMDR10). Also called: Limb-girdle muscular dystrophy, type 2J; MUSCULAR DYSTROPHY, LIMB-GIRDLE, AUTOSOMAL RECESSIVE 10. Identifiers: Orphanet 140922, MedGen C1837342, MONDO:0012127, OMIM 608807.
Dilated cardiomyopathy 1G (CMD1G). Identifiers: Orphanet 154, MedGen C1858763, MONDO:0011400, OMIM 604145.
Primary familial dilated cardiomyopathy (FDC). Also called: Familial dilated cardiomyopathy; Hypokinetic dilated cardiomyopathy, familial. Identifiers: Orphanet 217607, MedGen C0340427, MONDO:0016333.
Primary dilated cardiomyopathy (DCM). Also called: Dilated Cardiomyopathy. Identifiers: Orphanet 217604, MedGen C0007193, MeSH D002311, MONDO:0005021, HP:0001644. Inheritance: Various modes of inheritance.

Submissions (7):

GeneDx
Classification: Pathogenic. Last evaluated: 2026-07-29. Review status: criteria provided, single submitter. Criteria: GeneDx Variant Classification Process June 2021. Collection method: clinical testing. Allele origin: germline.
Comment: Frameshift variant predicted to result in protein truncation or nonsense mediated decay in a gene for which loss of function is a known mechanism of disease; Reported in association with DCM; however, further patient-specific clinical detail was not provided (PMID: 37652022); Not observed at significant frequency in large population cohorts (gnomAD); This variant is associated with the following publications: (PMID: 35177841, 22335739, 32778822, 40502028, 32153140, 37652022, 31983221, 28087566)

Labcorp Genetics (formerly Invitae), Labcorp
Classification: Pathogenic for Dilated cardiomyopathy 1G; Autosomal recessive limb-girdle muscular dystrophy type 2J. Last evaluated: 2026-01-13. Review status: criteria provided, single submitter. Criteria: Invitae Variant Classification Sherloc (09022015). Collection method: clinical testing. Allele origin: germline.
Comment: This sequence change creates a premature translational stop signal (p.Gly17798Alafs*18) in the TTN gene. While this is not anticipated to result in nonsense mediated decay, it is expected to create a truncated TTN protein. This variant is not present in population databases (gnomAD no frequency). This premature translational stop signal has been observed in individuals with dilated cardiomyopathy (DCM) (internal data). ClinVar contains an entry for this variant (Variation ID: 202451). This variant is located in the A band of TTN (PMID: 25589632). Truncating variants in this region are significantly overrepresented in patients affected with dilated cardiomyopathy (PMID: 25589632). Truncating variants in this region have also been reported in individuals affected with autosomal recessive centronuclear myopathy (PMID: 23975875). For these reasons, this variant has been classified as Pathogenic.

Victorian Clinical Genetics Services, Murdoch Childrens Research Institute
Classification: Pathogenic for Dilated cardiomyopathy 1G. Last evaluated: 2025-12-23. Review status: criteria provided, single submitter. Criteria: ACMG Guidelines, 2015. Collection method: clinical testing. Allele origin: germline. Affected: yes.
Comment: This variant is classified as Pathogenic. Evidence in support of pathogenic classification: Variant is predicted to cause nonsense-mediated decay (NMD) and loss of protein (premature termination codon is located at least 54 nucleotides upstream of the final exon-exon junction); Variant is present in gnomAD <0.01 (v4: 7 heterozygote(s), 0 homozygote(s)); This variant has strong previous evidence of pathogenicity in unrelated individuals. This variant has been classified as likely pathogenic/pathogenic by multiple clinical laboratories in ClinVar, including in an individual with a family history of DCM and sudden cardiac death (SCD). Additionally, it has been reported in the literature in individuals with DCM and TTN-related SCD (PMID: 28087566, 31983221, 32969603); Other NMD-predicted variants comparable to the one identified in this case have strong previous evidence for pathogenicity (ClinVar). Additional information: This variant is heterozygous; This gene is associated with both recessive and dominant disease (OMIM); Variant is located in the annotated A-band and the exon has a PSI score of 100% (PMID: 25589632); Loss of function is a known mechanism of disease in this gene. In addition, dominant negative is also a suggested mechanism (PMID: 25589632); The condition associated with this gene has incomplete penetrance. Variants in this gene that result in a premature termination codon (PTC) are known to have reduced penetrance in DCM (PMID: 25589632); Inheritance information for this variant is not currently available in this individual.

Ambry Genetics
Classification: Pathogenic for Cardiovascular phenotype. Last evaluated: 2025-10-10. Review status: criteria provided, single submitter. Criteria: Ambry Variant Classification Scheme 2023. Collection method: clinical testing. Allele origin: germline.
Comment: The c.26198delG pathogenic mutation, located in coding exon 105 of the TTN gene, results from a deletion of one nucleotide at nucleotide position 26198, causing a translational frameshift with a predicted alternate stop codon (p.G8733Afs*18). This exon is located in the A-band region of the N2-B isoform of the titin protein and is constitutively expressed in TTN transcripts (percent spliced in or PSI 100%). This variant, reported with alternative nomenclature c.45689delG, has been detected in individual(s) with features consistent with TTN-related dilated cardiomyopathy (DCM) (Seidelmann SB et al. Circ Cardiovasc Genet, 2017 Feb;10:e001573; Ambry internal data). This variant is considered to be rare based on population cohorts in the Genome Aggregation Database (gnomAD). This variant is expected to result in loss of function by premature protein truncation or nonsense-mediated mRNA decay. While truncating variants in TTN are present in 1-3% of the general population, truncating variants in the A-band are the most common cause of dilated cardiomyopathy (Herman DS et al. N. Engl. J. Med., 2012 Feb;366:619-28; Roberts AM et al. Sci Transl Med, 2015 Jan;7:270ra6). TTN truncating variants encoded in constitutive exons (PSI >90%) have been found to be significantly associated with DCM regardless of their position in titin (Schafer S et al. Nat. Genet., 2017 01;49:46-53; Akhtar MM et al. Circ Heart Fail, 2020 Oct;13:e006832; Massier M et al. Clin Genet, 2025 Jan). Based on the supporting evidence, this variant is interpreted as a disease-causing mutation.

Women's Health and Genetics/Laboratory Corporation of America, LabCorp
Classification: Pathogenic for Primary familial dilated cardiomyopathy. Last evaluated: 2025-07-09. Review status: criteria provided, single submitter. Criteria: LabCorp Variant Classification Summary - May 2015. Collection method: clinical testing. Allele origin: germline.
Comment: Variant summary: TTN NM_133378 c.45689delG (p.Gly15230AlafsX18), also known as NM_001267550 c.53393delG (p.Gly17798AlafsX18) results in a premature termination codon, predicted to cause a truncation of the encoded protein or absence of the protein due to nonsense mediated decay, which are commonly known mechanisms for disease. Loss of function variants in all TTN bands are strongly associated with a spectrum of autosomal recessive titinopathies when exon expression (proportion spliced in, PSI, 1=complete expression) in skeletal muscle is >0.1 (PMID: 36977548, 39198997, 29598826, 32778822, 29691892, 33449170, 36977548, internal data). In contrast, loss of function variants in all TTN bands are only strongly associated with autosomal dominant TTN-related cardiomyopathies if located in exons constitutively expressed (PSI >0.9) in cardiac muscle, excluding extreme C-terminal exons 359-363 (PMID: 25589632, 31216868, 32964742, 34662387, 27869827, Shetty et al., Nat Cardiovasc Res 2024,, internal data). This variant has a maximum skeletal muscle PSI of 0.969 and a maximum cardiac muscle PSI of 1.000. The variant was absent in 248330 control chromosomes. c.45689delG has been observed in individuals affected with and/or with clinical features of Dilated Cardiomyopathy (e.g. Seidelmann_2017, Beecroft_2020, internal data). These data indicate that the variant is likely to be associated with disease. To our knowledge, no experimental evidence demonstrating an impact on protein function has been reported. The following publications have been ascertained in the context of this evaluation (PMID: 32153140, 28087566). ClinVar contains an entry for this variant (Variation ID: 202451). Based on the evidence outlined above, the variant was classified as pathogenic for both autosomal dominant and autosomal recessive TTN-related conditions.

Clinical Genomics Laboratory, Stanford Medicine
Classification: Likely pathogenic for Dilated cardiomyopathy 1G. Last evaluated: 2022-09-02. Review status: criteria provided, single submitter. Criteria: ACMG Guidelines, 2015. Collection method: clinical testing. Allele origin: germline. Inheritance: Autosomal dominant inheritance. Observed: 1 variant allele, 1 heterozygote.
Comment: The p.Gly17798Alafs*18 variant in the TTN gene has been previously reported in at least 1 individual with dilated cardiomyopathy (PMID:31983221). This variant was absent from large population databases, including the Genome Aggregation Database. This variant is present in ClinVar (Accession: VCV000202451.20). This variant results in a 1 bp deletion in exon 278 of 363 exons, causing a shift in the protein reading frame and leading to a premature termination codon 18 amino acids downstream, which may cause loss of normal protein function through either protein truncation or nonsense-mediated decay. This variant is located in the A-band of the titin protein. Loss-of-function variants in the A-band have an established association with dilated cardiomyopathy (PMID:32160020). These data were assessed using the ACMG/AMP variant interpretation guidelines. In summary, there is sufficient evidence to classify the p.Gly17798Alafs*18 variant as likely pathogenic for autosomal dominant dilated cardiomyopathy based on the information above. [ACMG evidence codes used: PVS1_Strong; PM2; PS4_Supporting]

Laboratory for Molecular Medicine, Mass General Brigham Personalized Medicine
Classification: Likely pathogenic for Primary dilated cardiomyopathy. Last evaluated: 2015-05-20. Review status: criteria provided, single submitter. Criteria: LMM Criteria. Collection method: clinical testing. Allele origin: germline. Inheritance: Autosomal dominant inheritance. Observed: 1 variant allele.
Comment: The p.Gly15230fs variant in TTN has not been previously reported in individuals with cardiomyopathy or large population studies, though the ability of these pop ulation studies to accurately detect indels may be limited. This variant is pred icted to cause a frameshift, which alters the protein?s amino acid sequence begi nning at position 15230 and leads to a premature termination codon 18 amino acid s downstream. This alteration is then predicted to lead to a truncated or absent protein. Frameshift and other truncating variants in TTN are strongly associate d with DCM if they are located in the exons encoding for the A-band (Herman 2012 , Pugh 2014) and/or are located in an exon that is highly expressed in the heart (Roberts 2015). The p.Gly15230fs variant is located in A-band in the highly exp ressed exon 227. In summary, although additional studies are required to fully e stablish its clinical significance, the p.Gly15230fs variant is likely pathogeni c.

Literature cited by the submitters: PubMed 25589632 (cited by Labcorp Genetics (formerly Invitae), Labcorp and Victorian Clinical Genetics Services, Murdoch Childrens Research Institute); PubMed 23975875 (cited by Labcorp Genetics (formerly Invitae), Labcorp); PubMed 28087566 (cited by 3 submitters); PubMed 31983221 (cited by Victorian Clinical Genetics Services, Murdoch Childrens Research Institute and Clinical Genomics Laboratory, Stanford Medicine); PubMed 32969603 (cited by Victorian Clinical Genetics Services, Murdoch Childrens Research Institute); PubMed 32153140 (cited by Women's Health and Genetics/Laboratory Corporation of America, LabCorp); PubMed 32160020 (cited by Clinical Genomics Laboratory, Stanford Medicine).

NM_001267550.2(TTN):c.53393del (p.Gly17798fs)

Genes: TTN (titin; minus strand), TTN-AS1 (TTN antisense RNA 1; plus strand), LOC126806425 (BRD4-independent group 4 enhancer GRCh37_chr2:179471933-179473132; plus strand). Cytogenetic location: 2q31.2.
Variant type: Deletion.
Coding change: c.53393del on transcript NM_001267550.2 (MANE Select); coding-DNA position 53393, one base deleted (G; older notation c.53393delG).
Protein change: p.Gly17798fs; shifts the reading frame from glycine 17798.
Molecular consequence: frameshift variant.
Genome position (GRCh38, 1-based): chr2:178,607,209, C deleted on the plus strand (G on the coding strand, the reverse complement: TTN is on the minus strand); the first of 2 consecutive C bases (chr2:178,607,209-178,607,210); deleting either gives the same sequence. VCF-style (leftmost placement, unchanged base first): chr2-178607208-GC-G. GRCh37 (hg19) VCF-style: chr2-179471935-GC-G.
Other names: c.26198delG (NM_003319.4); c.48470delG (NM_001256850.1); c.48470del, p.Gly16157fs (NM_001256850.1); c.26198del, p.Gly8733fs (NM_003319.4); c.45689del, p.Gly15230fs (NM_133378.4); c.26573del, p.Gly8858fs (NM_133432.3); c.26774del, p.Gly8925fs (NM_133437.4); c.53393delG (NM_001267550.1); and 2 more; short protein forms G15230fs, G16157fs, G17798fs, G8733fs, G8858fs, G8925fs.
Identifiers: ClinVar variation 202451 (VCV000202451.27), dbSNP rs794729324, ClinGen allele CA309411.